The following is an entry in ClinVar:

ClinVar aggregate classification (germline): Pathogenic (1 of 4 stars; one submission).

Conditions:
Hereditary cancer-predisposing syndrome. Also called: Neoplastic Syndromes, Hereditary; Tumor predisposition; Hereditary neoplastic syndrome; Hereditary Cancer Syndrome. Identifiers: Orphanet 140162, MedGen C0027672, MeSH D009386, MONDO:0015356.

Submission:

Ambry Genetics
Classification: Pathogenic for Hereditary cancer-predisposing syndrome. Last evaluated: 2018-03-08. Review status: criteria provided, single submitter. Criteria: Ambry Variant Classification Scheme 2023. Collection method: clinical testing. Allele origin: germline.
Comment: The c.4179dupT pathogenic mutation, located in coding exon 15 of the APC gene, results from a duplication of T at nucleotide position 4179, causing a translational frameshift with a predicted alternate stop codon (p.D1394*). This alteration is expected to result in loss of function by premature protein truncation. As such, this alteration is interpreted as a disease-causing mutation.

Literature cited by the submitters: PubMed 8187091.

NM_000038.6(APC):c.4179dup (p.Asp1394Ter)

Gene: APC (APC regulator of Wnt signaling pathway; plus strand). Cytogenetic location: 5q22.2.
Variant type: Duplication.
Coding change: c.4179dup on transcript NM_000038.6 (MANE Select); coding-DNA position 4179, one base duplicated (T; older notation c.4179dupT).
Protein change: p.Asp1394Ter; replaces aspartic acid 1394 with a stop codon.
Molecular consequence: nonsense.
Genome position (GRCh38, 1-based): chr5:112,839,773, T duplicated; the last of 2 consecutive T bases (chr5:112,839,772-112,839,773); duplicating either gives the same sequence. VCF-style (leftmost placement, unchanged base first): chr5-112839771-C-CT. GRCh37 (hg19) VCF-style: chr5-112175468-C-CT.
Other names: c.3801dup, p.Asp1268Ter (NM_001354904.2); c.3699dup, p.Asp1234Ter (NM_001354905.2); c.3330dup, p.Asp1111Ter (NM_001354906.2); c.4179dup, p.Asp1394Ter (NM_001127510.3, NM_001354895.2); c.4125dup, p.Asp1376Ter (NM_001127511.3); c.4233dup, p.Asp1412Ter (NM_001354896.2); c.4209dup, p.Asp1404Ter (NM_001354897.2); c.4104dup, p.Asp1369Ter (NM_001354898.2); and 5 more; short protein forms D1268*, D1303*, D1366*, D1394*, D1404*, D1335*, D1412*, D1234*.
Identifiers: ClinVar variation 824649 (VCV000824649.4), dbSNP rs1580644987, ClinGen allele CA445964180.